The following is an entry in ClinVar:

ClinVar aggregate classification (germline): Conflicting classifications of pathogenicity. Review status: criteria provided, conflicting classifications (1 of 4 stars). 2 submissions from 2 submitters: Pathogenic (1); Uncertain significance (1). Last evaluated 2020-10-24.

Conditions:
Catecholaminergic polymorphic ventricular tachycardia 1. Also called: RYR2-Related Catecholaminergic Polymorphic Ventricular Tachycardia; VENTRICULAR TACHYCARDIA, CATECHOLAMINERGIC POLYMORPHIC, 1, WITH OR WITHOUT ATRIAL DYSFUNCTION AND/OR DILATED CARDIOMYOPATHY; VENTRICULAR TACHYCARDIA, STRESS-INDUCED POLYMORPHIC 1. Identifiers: Orphanet 3286, MedGen C1631597, MONDO:0011484, OMIM 604772.

Submissions (2):

Labcorp Genetics (formerly Invitae), Labcorp
Classification: Uncertain significance for Catecholaminergic polymorphic ventricular tachycardia 1. Last evaluated: 2020-10-24. Review status: criteria provided, single submitter. Criteria: Invitae Variant Classification Sherloc (09022015). Collection method: clinical testing. Allele origin: germline.
Comment: In summary, the available evidence is currently insufficient to determine the role of this variant in disease. Therefore, it has been classified as a Variant of Uncertain Significance. This variant disrupts the p.Gly230 amino acid residue in RYR2. Other variant(s) that disrupt this residue have been observed in individuals with RYR2-related conditions (PMID: 21659649), which suggests that this may be a clinically significant amino acid residue. Advanced modeling of protein sequence and biophysical properties (such as structural, functional, and spatial information, amino acid conservation, physicochemical variation, residue mobility, and thermodynamic stability) performed at Invitae indicates that this missense variant is expected to disrupt RYR2 protein function. This variant has been observed in individual(s) with clinical features of RYR2-related conditions (Invitae). ClinVar contains an entry for this variant (Variation ID: 201197). This variant is not present in population databases (ExAC no frequency). This sequence change replaces glycine with aspartic acid at codon 230 of the RYR2 protein (p.Gly230Asp). The glycine residue is highly conserved and there is a moderate physicochemical difference between glycine and aspartic acid.

GeneDx
Classification: Pathogenic. Last evaluated: 2013-10-11. Review status: criteria provided, single submitter. Criteria: GeneDx Variant Classification (06012015). Collection method: clinical testing. Allele origin: germline. Affected: yes.
Comment: p.Gly230Asp (GGT>GAT): c.689 G>A in exon 10 of the RYR2 gene (NM_001035.2). While the Gly230Asp mutation in the RYR2 gene has not been reported to our knowledge, a mutation affecting this same residue, Gly230Cys, has been reported in association with CPVT (Meli A et al., 2011). Additionally, Gly230Asp is located in the N-terminal mutation hot-spot" domain of the RYR2 gene (Medeiros-Domingo A et al., 2009). Gly230Asp results in a non-conservative amino acid substitution of a non-polar Glycine with a negatively charged Aspartic acid at a position that is conserved across species. In silico analysis predicts Gly230Asp is damaging to the protein structure/function. Furthermore, Gly230Asp was not observed in approximately 6,000 individuals of European and African American ancestry in the NHLBI Exome Sequencing Project, indicating it is not a common benign variant in these populations. In summary, Gly230Asp in the RYR2 gene is interpreted as a likely disease-causing mutation. Catecholaminergic Polymorphic Ventricular Tachycardia (CPVT) is characterized by syncope, typically beginning in the first decade of life, which may be triggered by physical activity or intense emotion. In patients with CPVT, stress-induced release of catecholamines causes a dysfunction of the calcium-ion channel in the myocytes (De La Fuente et al., 2008; Napolitano C et al., 2012; Priori S et al., 2002). CPVT is primarily caused by autosomal dominant mutations in the RYR2 and KCNJ2 genes. Less commonly, CPVT is caused by autosomal recessive mutations in the CASQ2 gene (Napolitano C et al., 2012). Approximately 50% of patients with autosomal dominant CPVT have been reported to have a mutation in the RYR2 gene, while mutations in the RYR2 gene associated with ARVC are rare (McNally E et al., 2009; Napolitano C et al., 2012). The variant is found in CPVT panel(s)."

Literature cited by the submitters: PubMed 21659649 (cited by Labcorp Genetics (formerly Invitae), Labcorp).

NM_001035.3(RYR2):c.689G>A (p.Gly230Asp)

Gene: RYR2 (ryanodine receptor 2; plus strand). Cytogenetic location: 1q43.
Variant type: single nucleotide variant.
Coding change: c.689G>A on transcript NM_001035.3 (MANE Select); coding-DNA position 689, G replaced by A.
Protein change: p.Gly230Asp; replaces glycine 230 with aspartic acid.
Molecular consequence: missense variant.
Genome position (GRCh38, 1-based): chr1:237,388,099, G>A. VCF-style: chr1-237388099-G-A. GRCh37 (hg19) VCF-style: chr1-237551399-G-A.
Other names: p.G230D:GGT>GAT; c.689G>A, p.Gly230Asp (LRG_402t1); short protein forms G230D.
Identifiers: ClinVar variation 201197 (VCV000201197.12), dbSNP rs794728710, ClinGen allele CA010368.